The following is an entry in ClinVar:

NM_032737.4(LMNB2):c.1528G>C (p.Gly510Arg)

Gene: LMNB2 (lamin B2; minus strand). Cytogenetic location: 19p13.3.
Variant type: single nucleotide variant.
Coding change: c.1528G>C on transcript NM_032737.4 (MANE Select); coding-DNA position 1528, G replaced by C.
Protein change: p.Gly510Arg; replaces glycine 510 with arginine.
Molecular consequence: missense variant.
Genome position (GRCh38, 1-based): chr19:2,432,478, C>G on the plus strand (G>C on the coding strand, the complement: LMNB2 is on the minus strand). VCF-style: chr19-2432478-C-G. GRCh37 (hg19) VCF-style: chr19-2432476-C-G.
Other names: c.1528G>C (NM_032737.3); short protein forms G510R.
Identifiers: ClinVar variation 1366230 (VCV001366230.9), dbSNP rs779010033, ClinGen allele CA9067449.

ClinVar aggregate classification (germline): Uncertain significance. Review status: criteria provided, multiple submitters, no conflicts (2 of 4 stars). 2 submissions from 2 submitters: Uncertain significance (2). Last evaluated 2024-11-08.

Conditions:
Progressive myoclonic epilepsy type 9. Identifiers: Orphanet 457265, MedGen C4225289, MONDO:0014685, OMIM 616540.
Lipodystrophy, partial, acquired, susceptibility to (APLD). Also called: APLD, SUSCEPTIBILITY TO. Identifiers: MedGen C3887501, MONDO:0100476, OMIM 608709.

Allele frequency attached by ClinVar (database versions not stated): TOPMed below 0.00001; gnomAD 0.00001; gnomAD exomes 0.00004; ExAC 0.00005.

Submissions (2):

Athena Diagnostics
Classification: Uncertain significance. Last evaluated: 2024-11-08. Review status: criteria provided, single submitter. Criteria: Athena Diagnostics Criteria. Collection method: clinical testing. Allele origin: unknown.
Comment: Available data are insufficient to determine the clinical significance of the variant at this time. The frequency of this variant in the general population is uninformative in assessment of its pathogenicity. Polyphen and MutationTaster predict this amino acid change may be damaging to the protein.

Labcorp Genetics (formerly Invitae), Labcorp
Classification: Uncertain significance for Progressive myoclonic epilepsy type 9; Lipodystrophy, partial, acquired, susceptibility to. Last evaluated: 2024-02-17. Review status: criteria provided, single submitter. Criteria: Invitae Variant Classification Sherloc (09022015). Collection method: clinical testing. Allele origin: germline.
Comment: This sequence change replaces glycine, which is neutral and non-polar, with arginine, which is basic and polar, at codon 510 of the LMNB2 protein (p.Gly510Arg). This variant is present in population databases (rs779010033, gnomAD 0.01%). This variant has not been reported in the literature in individuals affected with LMNB2-related conditions. ClinVar contains an entry for this variant (Variation ID: 1366230). Advanced modeling of protein sequence and biophysical properties (such as structural, functional, and spatial information, amino acid conservation, physicochemical variation, residue mobility, and thermodynamic stability) performed at Invitae indicates that this missense variant is not expected to disrupt LMNB2 protein function with a negative predictive value of 80%. In summary, the available evidence is currently insufficient to determine the role of this variant in disease. Therefore, it has been classified as a Variant of Uncertain Significance.